The following is an entry in ClinVar:

NM_024529.5(CDC73):c.310A>T (p.Thr104Ser)

Gene: CDC73 (cell division cycle 73; plus strand). Cytogenetic location: 1q31.2.
Variant type: single nucleotide variant.
Coding change: c.310A>T on transcript NM_024529.5 (MANE Select); coding-DNA position 310, A replaced by T.
Protein change: p.Thr104Ser; replaces threonine 104 with serine.
Molecular consequence: missense variant.
Genome position (GRCh38, 1-based): chr1:193,135,393, A>T. VCF-style: chr1-193135393-A-T. GRCh37 (hg19) VCF-style: chr1-193104523-A-T.
Other names: short protein forms T104S.
Identifiers: ClinVar variation 952241 (VCV000952241.10), dbSNP rs1675773683, ClinGen allele CA343960288.

ClinVar aggregate classification (germline): Uncertain significance. Review status: criteria provided, multiple submitters, no conflicts (2 of 4 stars). 3 submissions from 3 submitters: Uncertain significance (3). Last evaluated 2025-05-23.

Conditions:
Hereditary cancer-predisposing syndrome. Also called: Hereditary neoplastic syndrome; Tumor predisposition; Neoplastic Syndromes, Hereditary; Hereditary Cancer Syndrome. Identifiers: Orphanet 140162, MedGen C0027672, MeSH D009386, MONDO:0015356.
Parathyroid carcinoma (PRTC). Also called: Parathyroid gland carcinoma; CDC73-Related Parathyroid Carcinoma. Identifiers: Orphanet 143, MedGen C0687150, MONDO:0012004, OMIM 608266, HP:0006780.
Hyperparathyroidism 2 with jaw tumors. Also called: HYPERPARATHYROIDISM, FAMILIAL PRIMARY, WITH MULTIPLE OSSIFYING JAW FIBROMAS; HYPERPARATHYROIDISM-JAW TUMOR SYNDROME, HEREDITARY; Hyperparathyroidism 2; Hyperparathyroidism-Jaw Tumor Syndrome. Identifiers: Orphanet 99880, MedGen C1704981, MONDO:0007768, OMIM 145001.
Hyperparathyroidism 1 (HRPT1). Also called: HYPERPARATHYROIDISM, FAMILIAL ISOLATED PRIMARY. Identifiers: Orphanet 99879, MedGen C1840402, MONDO:0007767, OMIM 145000.

Allele frequency attached by ClinVar (database versions not stated): gnomAD exomes below 0.00001.
gnomAD v4.1: 1 of 1,612,432 alleles (0.000062%); highest among the groups gnomAD compares: Non-Finnish European, 0.000085%; no homozygotes.

Submissions (3):

Labcorp Genetics (formerly Invitae), Labcorp
Classification: Uncertain significance for Parathyroid carcinoma. Last evaluated: 2025-05-23. Review status: criteria provided, single submitter. Criteria: Invitae Variant Classification Sherloc (09022015). Collection method: clinical testing. Allele origin: germline.
Comment: This sequence change replaces threonine, which is neutral and polar, with serine, which is neutral and polar, at codon 104 of the CDC73 protein (p.Thr104Ser). This variant is not present in population databases (gnomAD no frequency). This variant has not been reported in the literature in individuals affected with CDC73-related conditions. ClinVar contains an entry for this variant (Variation ID: 952241). An algorithm developed to predict the effect of missense changes on protein structure and function (PolyPhen-2) suggests that this variant is likely to be tolerated. In summary, the available evidence is currently insufficient to determine the role of this variant in disease. Therefore, it has been classified as a Variant of Uncertain Significance.

Fulgent Genetics
Classification: Uncertain significance for Hyperparathyroidism 1; Hyperparathyroidism 2 with jaw tumors; Parathyroid carcinoma. Last evaluated: 2024-06-01. Review status: criteria provided, single submitter. Criteria: ACMG Guidelines, 2015. Collection method: clinical testing. Allele origin: germline.

Ambry Genetics
Classification: Uncertain significance for Hereditary cancer-predisposing syndrome. Last evaluated: 2023-12-23. Review status: criteria provided, single submitter. Criteria: Ambry Variant Classification Scheme 2023. Collection method: clinical testing. Allele origin: germline.
Comment: The p.T104S variant (also known as c.310A>T), located in coding exon 4 of the CDC73 gene, results from an A to T substitution at nucleotide position 310. The threonine at codon 104 is replaced by serine, an amino acid with similar properties. This amino acid position is conserved. In addition, this alteration is predicted to be tolerated by in silico analysis. Since supporting evidence is limited at this time, the clinical significance of this alteration remains unclear.